The following is an entry in ClinVar:

NM_000180.4(GUCY2D):c.1249A>T (p.Thr417Ser)

Gene: GUCY2D (guanylate cyclase 2D, retinal; plus strand). Cytogenetic location: 17p13.1.
Variant type: single nucleotide variant.
Coding change: c.1249A>T on transcript NM_000180.4 (MANE Select); coding-DNA position 1249, A replaced by T.
Protein change: p.Thr417Ser; replaces threonine 417 with serine.
Molecular consequence: missense variant.
Genome position (GRCh38, 1-based): chr17:8,006,585, A>T. VCF-style: chr17-8006585-A-T. GRCh37 (hg19) VCF-style: chr17-7909903-A-T.
Other names: short protein forms T417S.
Identifiers: ClinVar variation 2198668 (VCV002198668.2), dbSNP rs753928228, ClinGen allele CA8365692.
Genomic context (GRCh38, chr17:8,006,585, plus strand): 5'-GACGAGGAGCCCCCATTCGTGCTGCTAGACACGGACGCGGCGGGAGACCGGCTTTTTGCC[A>T]CATACATGCTGGATCCTGCCCGGGGCTCCTTCCTCTCCGCCGGTACCCGGATGCACTTCC-3'
Protein context (NP_000171.1, residues 407-427): TDAAGDRLFA[Thr417Ser]YMLDPARGSF

ClinVar aggregate classification (germline): Uncertain significance. Review status: criteria provided, multiple submitters, no conflicts (2 of 4 stars). 2 submissions from 2 submitters: Uncertain significance (2). Last evaluated 2022-08-07.

Conditions:
Leber congenital amaurosis 1 (LCA1). Also called: Congenital absence of the rods and cones; Leber's congenital tapetoretinal degeneration; Leber's congenital tapetoretinal dysplasia; AMAUROSIS CONGENITA OF LEBER I; RETINAL BLINDNESS, CONGENITAL. Identifiers: Orphanet 65, MedGen C2931258, MONDO:0008764, OMIM 204000.
Cone-rod dystrophy 6 (CORD6). Also called: RETINAL CONE DYSTROPHY 2; Cone dystrophy progressive. Identifiers: Orphanet 1872, MedGen C1866293, MONDO:0011143, OMIM 601777.

Allele frequency attached by ClinVar (database versions not stated): ExAC 0.00001; gnomAD 0.00001; TOPMed 0.00001; gnomAD exomes 0.00004.
gnomAD v4.1: 54 of 1,613,506 alleles (0.0033%); highest among the groups gnomAD compares: Non-Finnish European, 0.0046%; no homozygotes.

Submissions (2):

Labcorp Genetics (formerly Invitae), Labcorp
Classification: Uncertain significance for Leber congenital amaurosis 1; Cone-rod dystrophy 6. Last evaluated: 2022-08-07. Review status: criteria provided, single submitter. Criteria: Invitae Variant Classification Sherloc (09022015). Collection method: clinical testing. Allele origin: germline.
Comment: This sequence change replaces threonine, which is neutral and polar, with serine, which is neutral and polar, at codon 417 of the GUCY2D protein (p.Thr417Ser). This variant is present in population databases (rs753928228, gnomAD 0.0009%). This variant has not been reported in the literature in individuals affected with GUCY2D-related conditions. Algorithms developed to predict the effect of missense changes on protein structure and function (SIFT, PolyPhen-2, Align-GVGD) all suggest that this variant is likely to be disruptive. In summary, the available evidence is currently insufficient to determine the role of this variant in disease. Therefore, it has been classified as a Variant of Uncertain Significance.

Blueprint Genetics
Classification: Uncertain significance. Last evaluated: 2021-09-28. Review status: criteria provided, single submitter. Criteria: ACMG Guidelines, 2015. Collection method: clinical testing. Allele origin: germline.